The following is an entry in ClinVar:

NM_032409.3(PINK1):c.338_346del (p.Glu113_Gln115del)

Gene: PINK1 (PTEN induced kinase 1; plus strand). Cytogenetic location: 1p36.12.
Variant type: Deletion.
Coding change: c.338_346del on transcript NM_032409.3 (MANE Select); coding-DNA positions 338 to 346, 9 bases deleted (AAAAACAGG; older notation c.338_346delAAAAACAGG).
Protein change: p.Glu113_Gln115del.
Molecular consequence: inframe deletion.
Genome position (GRCh38, 1-based): chr1:20,633,886-20,633,894, AAAAACAGG deleted; deleting any 9 consecutive bases within chr1:20,633,883-20,633,894 gives the same sequence; the c. name uses the placement nearest the transcript's 3' end. VCF-style (leftmost placement, unchanged base first): chr1-20633882-GAGGAAAAAC-G. GRCh37 (hg19) VCF-style: chr1-20960375-GAGGAAAAAC-G.
Identifiers: ClinVar variation 1524912 (VCV001524912.8), dbSNP rs2154533504, ClinGen allele CA2573130917.

ClinVar aggregate classification (germline): Uncertain significance (1 of 4 stars; one submission).

Conditions:
Autosomal recessive early-onset Parkinson disease 6 (PARK6). Also called: PARKINSON DISEASE 6, EARLY-ONSET; PARKINSON DISEASE 6, MODIFIER OF; PINK1 Type of Young-Onset Parkinson Disease; PINK1-Related Parkinson Disease. Identifiers: Orphanet 2828, MedGen C1853833, MONDO:0011613, OMIM 605909.

Submission:

Labcorp Genetics (formerly Invitae), Labcorp
Classification: Uncertain significance for Autosomal recessive early-onset Parkinson disease 6. Last evaluated: 2021-06-03. Review status: criteria provided, single submitter. Criteria: Invitae Variant Classification Sherloc (09022015). Collection method: clinical testing. Allele origin: germline.
Comment: This variant, c.338_346del, results in the deletion of 3 amino acid(s) of the PINK1 protein (p.Glu113_Gln115del), but otherwise preserves the integrity of the reading frame. The frequency data for this variant in the population databases is considered unreliable, as metrics indicate insufficient coverage at this position in the ExAC database. This variant has not been reported in the literature in individuals with PINK1-related conditions. Experimental studies and prediction algorithms are not available or were not evaluated, and the functional significance of this variant is currently unknown. In summary, the available evidence is currently insufficient to determine the role of this variant in disease. Therefore, it has been classified as a Variant of Uncertain Significance.